The following is an entry in ClinVar:

ClinVar aggregate classification (germline): Likely benign. Review status: criteria provided, single submitter (1 of 4 stars). 2 submissions from 2 submitters: Likely benign (1). 1 of the submissions does not count toward it. Last evaluated 2025-01-19.

Conditions:
NTRK2-related disorder. Also called: NTRK2-related condition.

gnomAD v4.1: 8 of 1,605,256 alleles (0.0005%); highest among the groups gnomAD compares: Non-Finnish European, 0.0006%; no homozygotes.

Submissions (2):

Labcorp Genetics (formerly Invitae), Labcorp
Classification: Likely benign. Last evaluated: 2025-01-19. Review status: criteria provided, single submitter. Criteria: Invitae Variant Classification Sherloc (09022015). Collection method: clinical testing. Allele origin: germline.

PreventionGenetics, part of Exact Sciences
Classification: Likely benign for NTRK2-related condition. Last evaluated: 2021-06-18. Review status: no assertion criteria provided. Collection method: clinical testing. Allele origin: germline. Not counted in ClinVar's aggregate classification.
Comment: This variant is classified as likely benign based on ACMG/AMP sequence variant interpretation guidelines (Richards et al. 2015 PMID: 25741868, with internal and published modifications).

NM_006180.6(NTRK2):c.1633+10G>A

Gene: NTRK2 (neurotrophic receptor tyrosine kinase 2; plus strand). Cytogenetic location: 9q21.33.
Variant type: single nucleotide variant.
Coding change: c.1633+10G>A on transcript NM_006180.6 (MANE Select); 10 bases into the intron after coding-DNA position 1633, G replaced by A.
Molecular consequence: intron variant.
Genome position (GRCh38, 1-based): chr9:84,867,441, G>A. VCF-style: chr9-84867441-G-A. GRCh37 (hg19) VCF-style: chr9-87482356-G-A.
Other names: c.1585+10G>A (NM_001369532.1, NM_001369533.1, NM_001018066.3 and 2 more transcripts); c.1633+10G>A (NM_001369537.1, NM_001018065.2); c.1549+10G>A (NM_001369534.1); c.1165+10G>A (NM_001369536.1); c.1117+10G>A (NM_001369535.1).
Identifiers: ClinVar variation 3357409 (VCV003357409.3).